The following is an entry in ClinVar:

NM_015346.4(ZFYVE26):c.2684_2700dup (p.Arg901fs)

Gene: ZFYVE26 (zinc finger FYVE-type containing 26; minus strand). Cytogenetic location: 14q24.1.
Variant type: Duplication.
Coding change: c.2684_2700dup on transcript NM_015346.4 (MANE Select); coding-DNA positions 2684 to 2700, 17 bases duplicated (GTAGCAGCACCATTCGG).
Protein change: p.Arg901fs; shifts the reading frame from arginine 901.
Molecular consequence: frameshift variant.
Genome position (GRCh38, 1-based): chr14:67,790,627-67,790,643, CCGAATGGTGCTGCTAC duplicated on the plus strand (GTAGCAGCACCATTCGG on the coding strand, the reverse complement: ZFYVE26 is on the minus strand); duplicating any 17 consecutive bases within chr14:67,790,627-67,790,646 gives the same sequence; the c. name uses the placement nearest the transcript's 3' end. VCF-style (leftmost placement, unchanged base first): chr14-67790626-T-TCCGAATGGTGCTGCTAC. GRCh37 (hg19) VCF-style: chr14-68257343-T-TCCGAATGGTGCTGCTAC.
Other names: short protein forms R901fs.
Identifiers: ClinVar variation 854216 (VCV000854216.7), dbSNP rs2039786680, ClinGen allele CA916083386.

ClinVar aggregate classification (germline): Pathogenic (1 of 4 stars; one submission).

Conditions:
Spastic paraplegia. Identifiers: MedGen C0037772, HP:0001258.

Submission:

Labcorp Genetics (formerly Invitae), Labcorp
Classification: Pathogenic for Spastic paraplegia. Last evaluated: 2022-04-20. Review status: criteria provided, single submitter. Criteria: Invitae Variant Classification Sherloc (09022015). Collection method: clinical testing. Allele origin: germline.
Comment: For these reasons, this variant has been classified as Pathogenic. Algorithms developed to predict the effect of sequence changes on RNA splicing suggest that this variant may create or strengthen a splice site. ClinVar contains an entry for this variant (Variation ID: 854216). This variant has not been reported in the literature in individuals affected with ZFYVE26-related conditions. This variant is not present in population databases (gnomAD no frequency). This sequence change creates a premature translational stop signal (p.Arg901Valfs*34) in the ZFYVE26 gene. It is expected to result in an absent or disrupted protein product. Loss-of-function variants in ZFYVE26 are known to be pathogenic (PMID: 18394578, 19805727).

Literature cited by the submitters: PubMed 18394578; PubMed 19805727.